The following is an entry in ClinVar:

ClinVar aggregate classification (germline): Benign/Likely benign. Review status: criteria provided, multiple submitters, no conflicts (2 of 4 stars). 2 submissions from 2 submitters: Benign (1); Likely benign (1). Last evaluated 2025-01-03.

Conditions:
Hereditary cancer-predisposing syndrome. Also called: Neoplastic Syndromes, Hereditary; Tumor predisposition; Hereditary Cancer Syndrome; Hereditary neoplastic syndrome. Identifiers: Orphanet 140162, MedGen C0027672, MeSH D009386, MONDO:0015356.
Lynch syndrome 5 (LYNCH5). Also called: Colorectal cancer, hereditary nonpolyposis, type 5; Hereditary non-polyposis colorectal cancer, type 5. Identifiers: Orphanet 144, MedGen C1833477, MONDO:0013710, OMIM 614350. Disease mechanism: loss of function.

Submissions (2):

Myriad Genetics, Inc.
Classification: Benign for Lynch syndrome 5. Last evaluated: 2025-01-03. Review status: criteria provided, single submitter. Criteria: Myriad Autosomal Dominant, Autosomal Recessive and X-Linked Classification Criteria (2023). Collection method: clinical testing. Allele origin: unknown.
Comment: This variant is considered benign. This variant is a silent/synonymous amino acid change and it is not expected to impact splicing.

Ambry Genetics
Classification: Likely benign for Hereditary cancer-predisposing syndrome. Last evaluated: 2016-04-07. Review status: criteria provided, single submitter. Criteria: Ambry Variant Classification Scheme 2023. Collection method: clinical testing. Allele origin: germline.

NM_000179.3(MSH6):c.3207G>C (p.Gly1069=)

Gene: MSH6 (mutS homolog 6; plus strand). Cytogenetic location: 2p16.3.
Variant type: single nucleotide variant.
Coding change: c.3207G>C on transcript NM_000179.3 (MANE Select); coding-DNA position 3207, G replaced by C.
Protein change: p.Gly1069=; no amino-acid change (glycine 1069 retained).
Molecular consequence: synonymous variant.
Genome position (GRCh38, 1-based): chr2:47,803,454, G>C. VCF-style: chr2-47803454-G-C. GRCh37 (hg19) VCF-style: chr2-48030593-G-C.
Other names: c.2817G>C, p.Gly939= (NM_001281492.2); c.2301G>C, p.Gly767= (NM_001281493.2, NM_001281494.2).
Identifiers: ClinVar variation 483800 (VCV000483800.6), dbSNP rs267608074, ClinGen allele CA426121766.
Genomic context (GRCh38, chr2:47,803,454, plus strand): 5'-CTCACTTTTACCCTCTCTTTTAACAGATGTTTTACTGTGCCTGGCTAACTATAGTCGAGG[G>C]GGTGATGGTCCTATGTGTCGCCCAGTAATTCTGTTGCCGGAAGATACCCCCCCCTTCTTA-3'
Protein context (NP_000170.1, residues 1059-1079): VLLCLANYSR[Gly1069=]GDGPMCRPVI